The following is an entry in ClinVar:

NM_152743.4(BRAT1):c.676G>T (p.Gly226Trp)

Gene: BRAT1 (BRCA1 associated ATM activator 1; minus strand). Cytogenetic location: 7p22.3.
Variant type: single nucleotide variant.
Coding change: c.676G>T on transcript NM_152743.4 (MANE Select); coding-DNA position 676, G replaced by T.
Protein change: p.Gly226Trp; replaces glycine 226 with tryptophan.
Molecular consequence: missense variant. On other transcripts: non-coding transcript variant (1).
Genome position (GRCh38, 1-based): chr7:2,543,717, C>A on the plus strand (G>T on the coding strand, the complement: BRAT1 is on the minus strand). VCF-style: chr7-2543717-C-A. GRCh37 (hg19) VCF-style: chr7-2583351-C-A.
Other names: c.676G>T, p.Gly226Trp (NM_001350626.2); c.151G>T, p.Gly51Trp (NM_001350627.2); short protein forms G226W, G51W.
Identifiers: ClinVar variation 856408 (VCV000856408.8), dbSNP rs757941515, ClinGen allele CA152671586.

ClinVar aggregate classification (germline): Uncertain significance (1 of 4 stars; one submission).

Conditions:
Neonatal-onset encephalopathy with rigidity and seizures. Also called: Lethal neonatal spasticity-epileptic encephalopathy syndrome. Identifiers: Orphanet 435845, MedGen C3281029, MONDO:0013784, OMIM 614498.

Submission:

Labcorp Genetics (formerly Invitae), Labcorp
Classification: Uncertain significance for Neonatal-onset encephalopathy with rigidity and seizures. Last evaluated: 2020-03-05. Review status: criteria provided, single submitter. Criteria: Invitae Variant Classification Sherloc (09022015). Collection method: clinical testing. Allele origin: germline.
Comment: In summary, the available evidence is currently insufficient to determine the role of this variant in disease. Therefore, it has been classified as a Variant of Uncertain Significance. Algorithms developed to predict the effect of missense changes on protein structure and function are either unavailable or do not agree on the potential impact of this missense change (SIFT: "Deleterious"; PolyPhen-2: "Probably Damaging"; Align-GVGD: "Class C0"). This variant has not been reported in the literature in individuals with BRAT1-related conditions. This variant is not present in population databases (ExAC no frequency). This sequence change replaces glycine with tryptophan at codon 226 of the BRAT1 protein (p.Gly226Trp). The glycine residue is highly conserved and there is a large physicochemical difference between glycine and tryptophan.